The following is an entry in ClinVar:

ClinVar aggregate classification (germline): Likely pathogenic (1 of 4 stars; one submission).

Conditions:
Duchenne muscular dystrophy (DMD). Also called: MUSCULAR DYSTROPHY, PSEUDOHYPERTROPHIC PROGRESSIVE, DUCHENNE TYPE; Duchenne Muscular Dystrophy (DMD). Identifiers: Orphanet 98896, MedGen C0013264, MONDO:0010679, OMIM 310200.

Submission:

Labcorp Genetics (formerly Invitae), Labcorp
Classification: Likely pathogenic for Duchenne muscular dystrophy. Last evaluated: 2016-12-03. Review status: criteria provided, single submitter. Criteria: Invitae Variant Classification Sherloc (09022015). Collection method: clinical testing. Allele origin: germline.
Comment: This variant is a gross duplication of the genomic region encompassing exons 4-6 of the DMD gene. While the exact position of the duplicated exons cannot be determined from this data, the duplicated copy of this region is likely in tandem and may result in an absent or disrupted protein product. While this particular variant has not been reported in the literature, truncating variants in DMD are known to be pathogenic (PMID: 16770791). In summary, this variant is a novel duplication that may result in an absent or disrupted protein product. This evidence indicates that the variant is pathogenic, but additional data is needed to prove that conclusively. Therefore, this variant has been classified as Likely Pathogenic.

NC_000023.10:g.(?_32834585)_(32862977_?)dup

Gene: DMD (dystrophin; minus strand). Cytogenetic location: Xp21.1.
Variant type: Duplication.
Identifiers: ClinVar variation 417506 (VCV000417506.1).